The following is an entry in ClinVar:

ClinVar aggregate classification (germline): Uncertain significance (1 of 4 stars; one submission).

Conditions:
NOTCH1-related disorder. Also called: NOTCH1-related disorders; NOTCH1-related condition.

Allele frequency attached by ClinVar (database versions not stated): gnomAD 0.00001.
gnomAD v4.1: 1 of 1,604,472 alleles (0.000062%); highest among the groups gnomAD compares: African/African-American, 0.0013%; no homozygotes.

Submission:

PreventionGenetics, part of Exact Sciences
Classification: Uncertain significance for NOTCH1-related condition. Last evaluated: 2023-01-04. Review status: criteria provided, single submitter. Criteria: ACMG Guidelines, 2015. Collection method: clinical testing. Allele origin: germline.
Comment: The NOTCH1 c.7495A>C variant is predicted to result in the amino acid substitution p.Ser2499Arg. To our knowledge, this variant has not been reported in the literature or in a large population database, indicating this variant is rare. At this time, the clinical significance of this variant is uncertain due to the absence of conclusive functional and genetic evidence.

NM_017617.5(NOTCH1):c.7495A>C (p.Ser2499Arg)

Gene: NOTCH1 (notch receptor 1; minus strand). Cytogenetic location: 9q34.3.
Variant type: single nucleotide variant.
Coding change: c.7495A>C on transcript NM_017617.5 (MANE Select); coding-DNA position 7495, A replaced by C.
Protein change: p.Ser2499Arg; replaces serine 2499 with arginine.
Molecular consequence: missense variant.
Genome position (GRCh38, 1-based): chr9:136,496,244, T>G on the plus strand (A>C on the coding strand, the complement: NOTCH1 is on the minus strand). VCF-style: chr9-136496244-T-G. GRCh37 (hg19) VCF-style: chr9-139390696-T-G.
Other names: short protein forms S2499R.
Identifiers: ClinVar variation 2630053 (VCV002630053.1), dbSNP rs1842911325, ClinGen allele CA375626087.